The following is an entry in ClinVar:

NM_001368894.2(PAX6):c.621C>T (p.Asn207=)

Gene: PAX6 (paired box 6; minus strand). Cytogenetic location: 11p13.
Variant type: single nucleotide variant.
Coding change: c.621C>T on transcript NM_001368894.2 (MANE Select); coding-DNA position 621, C replaced by T.
Protein change: p.Asn207=; no amino-acid change (asparagine 207 retained).
Molecular consequence: synonymous variant. On other transcripts: 5 prime UTR variant (1), non-coding transcript variant (2).
Genome position (GRCh38, 1-based): chr11:31,794,733, G>A on the plus strand (C>T on the coding strand, the complement: PAX6 is on the minus strand). VCF-style: chr11-31794733-G-A. GRCh37 (hg19) VCF-style: chr11-31816281-G-A.
Other names: c.579C>T, p.Asn193= (NM_000280.6, NM_001127612.3, NM_001258464.2 and 10 more transcripts); c.621C>T, p.Asn207= (NM_001258462.3, NM_001258463.2, NM_001310158.2 and 6 more transcripts); c.171C>T, p.Asn57= (NM_001310160.2, NM_001310161.3, NM_001368899.2 and 11 more transcripts); c.822C>T, p.Asn274= (NM_001368910.2); c.624C>T, p.Asn208= (NM_001368911.2); c.696C>T, p.Asn232= (NM_001368918.2, NM_001368919.2); c.654C>T, p.Asn218= (NM_001368920.2); c.420C>T, p.Asn140= (NM_001368921.2, NM_001368922.2, NM_001368923.2 and 4 more transcripts); and 3 more.
Identifiers: ClinVar variation 2141893 (VCV002141893.6), dbSNP rs367589686, ClinGen allele CA5933839.

ClinVar aggregate classification (germline): Likely benign. Review status: criteria provided, multiple submitters, no conflicts (2 of 4 stars). 3 submissions from 3 submitters: Likely benign (3). Last evaluated 2026-06-22.

Conditions:
PAX6-related disorder. Also called: PAX6-related disorders; PAX6-related condition.
Aniridia 1 (AN1). Identifiers: Orphanet 250923, MedGen C0344542, MONDO:0024507, OMIM 106210.
Irido-corneo-trabecular dysgenesis (ASGD5). Also called: ANTERIOR SEGMENT DYSGENESIS 5. Identifiers: Orphanet 708, MedGen C0344559, MONDO:0011414, OMIM 604229, HP:0000659.

Allele frequency attached by ClinVar (database versions not stated): ExAC 0.00002.
gnomAD v4.1: 10 of 1,613,876 alleles (0.00062%); highest among the groups gnomAD compares: East Asian, 0.0089%; no homozygotes.

Submissions (3):

PreventionGenetics, part of Exact Sciences
Classification: Likely benign for PAX6-related condition. Last evaluated: 2026-06-22. Review status: criteria provided, single submitter. Criteria: ACMG Guidelines, 2015. Collection method: clinical testing. Allele origin: germline.
Comment: This variant is classified as likely benign based on ACMG/AMP sequence variant interpretation guidelines (Richards et al. 2015 PMID: 25741868, with internal and published modifications).

Women's Health and Genetics/Laboratory Corporation of America, LabCorp
Classification: Likely benign. Last evaluated: 2026-04-27. Review status: criteria provided, single submitter. Criteria: LabCorp Variant Classification Summary - May 2015. Collection method: clinical testing. Allele origin: germline.

Labcorp Genetics (formerly Invitae), Labcorp
Classification: Likely benign for Aniridia 1; Irido-corneo-trabecular dysgenesis. Last evaluated: 2024-11-05. Review status: criteria provided, single submitter. Criteria: Invitae Variant Classification Sherloc (09022015). Collection method: clinical testing. Allele origin: germline.